The following is an entry in ClinVar:

ClinVar aggregate classification (germline): Uncertain significance (1 of 4 stars; one submission).

Conditions:
Developmental and epileptic encephalopathy, 37 (DEE37). Also called: Epileptic encephalopathy, early infantile, 37. Identifiers: MedGen C4310770, MONDO:0014859, OMIM 616981.

Allele frequency attached by ClinVar (database versions not stated): gnomAD exomes 0.00001.
gnomAD v4.1: 2 of 1,305,154 alleles (0.00015%); highest among the groups gnomAD compares: East Asian, 0.0033%; no homozygotes.

Submission:

Labcorp Genetics (formerly Invitae), Labcorp
Classification: Uncertain significance for Developmental and epileptic encephalopathy, 37. Last evaluated: 2019-09-08. Review status: criteria provided, single submitter. Criteria: Invitae Variant Classification Sherloc (09022015). Collection method: clinical testing. Allele origin: germline.
Comment: This sequence change replaces valine with alanine at codon 107 of the FRRS1L protein (p.Val107Ala). The valine residue is weakly conserved and there is a small physicochemical difference between valine and alanine. The frequency data for this variant in the population databases is considered unreliable, as metrics indicate insufficient coverage at this position in the ExAC database. This variant has not been reported in the literature in individuals with FRRS1L-related conditions. Algorithms developed to predict the effect of missense changes on protein structure and function output the following: SIFT: "Tolerated"; PolyPhen-2: "Benign"; Align-GVGD: "Class C0". The alanine amino acid residue is found in multiple mammalian species, suggesting that this missense change does not adversely affect protein function. These predictions have not been confirmed by published functional studies and their clinical significance is uncertain. In summary, the available evidence is currently insufficient to determine the role of this variant in disease. Therefore, it has been classified as a Variant of Uncertain Significance.

NM_014334.4(FRRS1L):c.167T>C (p.Val56Ala)

Gene: FRRS1L (ferric chelate reductase 1 like; minus strand). Cytogenetic location: 9q31.3.
Variant type: single nucleotide variant.
Coding change: c.167T>C on transcript NM_014334.4 (MANE Select); coding-DNA position 167, T replaced by C.
Protein change: p.Val56Ala; replaces valine 56 with alanine.
Molecular consequence: missense variant.
Genome position (GRCh38, 1-based): chr9:109,166,972, A>G on the plus strand (T>C on the coding strand, the complement: FRRS1L is on the minus strand). VCF-style: chr9-109166972-A-G. GRCh37 (hg19) VCF-style: chr9-111929252-A-G.
Other names: short protein forms V56A.
Identifiers: ClinVar variation 956866 (VCV000956866.10), dbSNP rs1831561182, ClinGen allele CA374430367.